The following is an entry in ClinVar:

ClinVar aggregate classification (germline): Benign (1 of 4 stars; one submission).

Conditions:
Megalencephalic leukoencephalopathy with subcortical cysts 1 (MLC1). Also called: LEUKOENCEPHALOPATHY WITH SWELLING AND CYSTS; VACUOLATING MEGALENCEPHALIC LEUKOENCEPHALOPATHY WITH SUBCORTICAL CYSTS. Identifiers: Orphanet 2478, MedGen C5779875, MONDO:0024555, OMIM 604004.

Allele frequency attached by ClinVar (database versions not stated): 1000 Genomes Project 30x 0.00562; 1000 Genomes Project 0.00579; gnomAD 0.00760 and 0.00818; TOPMed 0.00803.

Submission:

Illumina Laboratory Services, Illumina
Classification: Benign for Megalencephalic leukoencephalopathy with subcortical cysts 1. Last evaluated: 2018-01-13. Review status: criteria provided, single submitter. Criteria: ICSL Variant Classification Criteria 13 December 2019. Collection method: clinical testing. Allele origin: germline.
Comment: This variant was observed in the ICSL laboratory as part of a predisposition screen in an ostensibly healthy population. It had not been previously curated by ICSL or reported in the Human Gene Mutation Database (HGMD: prior to June 1st, 2018), and was therefore a candidate for classification through an automated scoring system. Utilizing variant allele frequency, disease prevalence and penetrance estimates, and inheritance mode, an automated score was calculated to assess if this variant is too frequent to cause the disease. Based on the score and internal cut-off values, a variant classified as benign is not then subjected to further curation. The score for this variant resulted in a classification of benign for this disease.

NM_015166.4(MLC1):c.*572C>T

Gene: MLC1 (modulator of VRAC current 1; minus strand). Cytogenetic location: 22q13.33.
Variant type: single nucleotide variant.
Coding change: c.*572C>T on transcript NM_015166.4 (MANE Select); 572 bases downstream of the stop codon, C replaced by T.
Molecular consequence: 3 prime UTR variant. On other transcripts: intron variant (2).
Genome position (GRCh38, 1-based): chr22:50,061,011, G>A on the plus strand (C>T on the coding strand, the complement: MLC1 is on the minus strand). VCF-style: chr22-50061011-G-A. GRCh37 (hg19) VCF-style: chr22-50499440-G-A.
Other names: c.*572C>T (NM_001376472.1, NM_001376473.1, NM_001376474.1 and 9 more transcripts); c.*45+527C>T (NM_001376478.1, NM_001376477.1).
Identifiers: ClinVar variation 900208 (VCV000900208.4), dbSNP rs367816647, ClinGen allele CA325479143.